The following is an entry in ClinVar:

ClinVar aggregate classification (germline): Uncertain significance (1 of 4 stars; one submission).

Conditions:
Candidiasis, familial, 9 (CANDF9). Identifiers: Orphanet 1334, MedGen C4225324, MONDO:0014642, OMIM 616445.

gnomAD v4.1: 9 of 1,612,828 alleles (0.00056%); highest among the groups gnomAD compares: Admixed American, 0.0017%; no homozygotes.

Submission:

Labcorp Genetics (formerly Invitae), Labcorp
Classification: Uncertain significance for Candidiasis, familial, 9. Last evaluated: 2024-03-14. Review status: criteria provided, single submitter. Criteria: Invitae Variant Classification Sherloc (09022015). Collection method: clinical testing. Allele origin: germline.
Comment: This sequence change replaces valine, which is neutral and non-polar, with alanine, which is neutral and non-polar, at codon 721 of the IL17RC protein (p.Val721Ala). The frequency data for this variant in the population databases is considered unreliable, as metrics indicate poor data quality at this position in the gnomAD database. This variant has not been reported in the literature in individuals affected with IL17RC-related conditions. Algorithms developed to predict the effect of missense changes on protein structure and function output the following: SIFT: "Not Available"; PolyPhen-2: "Benign"; Align-GVGD: "Not Available". The alanine amino acid residue is found in multiple mammalian species, which suggests that this missense change does not adversely affect protein function. In summary, the available evidence is currently insufficient to determine the role of this variant in disease. Therefore, it has been classified as a Variant of Uncertain Significance.

NM_153460.4(IL17RC):c.1949T>C (p.Val650Ala)

Gene: IL17RC (interleukin 17 receptor C; plus strand). Cytogenetic location: 3p25.3.
Variant type: single nucleotide variant.
Coding change: c.1949T>C on transcript NM_153460.4 (MANE Select); coding-DNA position 1949, T replaced by C.
Protein change: p.Val650Ala; replaces valine 650 with alanine.
Molecular consequence: missense variant. On other transcripts: non-coding transcript variant (1).
Genome position (GRCh38, 1-based): chr3:9,933,379, T>C. VCF-style: chr3-9933379-T-C. GRCh37 (hg19) VCF-style: chr3-9975063-T-C.
Other names: c.1910T>C, p.Val637Ala (NM_001203263.2); c.1859T>C, p.Val620Ala (NM_001203264.2); c.1853T>C, p.Val618Ala (NM_001203265.2); c.1871T>C, p.Val624Ala (NM_001367278.1); c.1790T>C, p.Val597Ala (NM_001367279.1); c.1865T>C, p.Val622Ala (NM_001367280.1); c.1814T>C, p.Val605Ala (NM_001410711.1); c.1904T>C, p.Val635Ala (NM_032732.6); and 1 more; short protein forms V721A, V618A, V620A, V622A, V635A, V597A, V605A, V624A.
Identifiers: ClinVar variation 3673097 (VCV003673097.2).
Genomic context (GRCh38, chr3:9,933,379, plus strand): 5'-TGGGGGCCTGCTTCGACAGGCTGCTCCACCCGGACGCCGTACCCGCCCTTTTCCGCACCG[T>C]GCCCGTCTTCACACTGCCCTCCCAACTGCCAGACTTCCTGGGGGCCCTGCAGCAGCCTCG-3'
Protein context (NP_703190.2, residues 640-660): PDAVPALFRT[Val650Ala]PVFTLPSQLP